The following is an entry in ClinVar:

ClinVar aggregate classification (germline): Likely pathogenic (1 of 4 stars; one submission).

Conditions:
Hereditary factor VIII deficiency disease (HEMA). Also called: AUTOSOMAL HEMOPHILIA A; HEM A; Factor 8 deficiency, congenital; Hemophilia A, congenital; HEMOPHILIA, CLASSIC; Hemophilia A. Identifiers: Orphanet 98878, MedGen C0019069, MONDO:0010602, OMIM 306700.

Submission:

Knight Diagnostic Laboratories, Oregon Health and Sciences University
Classification: Likely pathogenic for Hereditary factor VIII deficiency disease. Last evaluated: 2016-01-27. Review status: criteria provided, single submitter. Criteria: ACMG Guidelines, 2015. Collection method: clinical testing. Allele origin: germline. Affected: no. Study: CSER-NextGen.
Comment: The c.3144G>A (p.Trp1048*) nonsense variant in the F8 gene has not been previously reported; however, pathogenic variants occurring in the same codon and leading to the same nonsense change have previously been reported in individuals affected with severe Hemophilia A (Leuer et al., 2001; Hill et al., 2005). This c.3144G>A variant is predicted to cause a protein termination in exon 14 (out of a total of 26 exons in the coding sequence). Nonsense variants have been described in the F8 gene in several affected individuals (including nonsense variants downstream of this p.Trp1048* variant) and are, therefore, a common mechanism of disease. This c.3144G>A has not been reported in the population databases (Exome Sequencing Project [ESP], 1000 Genomes, and ExAC). In silico algorithms predict this variant has a deleterious effect (GERP = 4.42; CADD = 40). Therefore, this collective evidence supports the classification of the c.3144G>A (p.Trp1048*) as an X-linked recessive Likely Pathogenic variant for Hemophilia A.

NM_000132.4(F8):c.3144G>A (p.Trp1048Ter)

Gene: F8 (coagulation factor VIII; minus strand). Cytogenetic location: Xq28.
Variant type: single nucleotide variant.
Coding change: c.3144G>A on transcript NM_000132.4 (MANE Select); coding-DNA position 3144, G replaced by A.
Protein change: p.Trp1048Ter; replaces tryptophan 1048 with a stop codon.
Molecular consequence: nonsense.
Genome position (GRCh38, 1-based): chrX:154,930,646, C>T on the plus strand (G>A on the coding strand, the complement: F8 is on the minus strand). VCF-style: chrX-154930646-C-T. GRCh37 (hg19) VCF-style: chrX-154158921-C-T.
Other names: short protein forms W1048*.
Identifiers: ClinVar variation 402228 (VCV000402228.1), dbSNP rs1060499784, ClinGen allele CA16609557.